The following is an entry in ClinVar:

ClinVar aggregate classification (germline): Uncertain significance (1 of 4 stars; one submission).

Submission:

GeneDx
Classification: Uncertain significance. Last evaluated: 2024-01-18. Review status: criteria provided, single submitter. Criteria: GeneDx Variant Classification Process June 2021. Collection method: clinical testing. Allele origin: germline. Affected: yes.
Comment: Not observed at significant frequency in large population cohorts (gnomAD); Nonsense variant predicted to result in protein truncation, as the last 838 amino acids are lost, in a gene for which loss of function is not an established mechanism of disease; Has not been previously published as pathogenic or benign to our knowledge; This variant is associated with the following publications: (PMID: 28545555)

NM_017654.4(SAMD9):c.2255G>A (p.Trp752Ter)

Gene: SAMD9 (sterile alpha motif domain containing 9; minus strand). Cytogenetic location: 7q21.2.
Variant type: single nucleotide variant.
Coding change: c.2255G>A on transcript NM_017654.4 (MANE Select); coding-DNA position 2255, G replaced by A.
Protein change: p.Trp752Ter; replaces tryptophan 752 with a stop codon.
Molecular consequence: nonsense.
Genome position (GRCh38, 1-based): chr7:93,103,843, C>T on the plus strand (G>A on the coding strand, the complement: SAMD9 is on the minus strand). VCF-style: chr7-93103843-C-T. GRCh37 (hg19) VCF-style: chr7-92733156-C-T.
Other names: c.2255G>A, p.Trp752Ter (NM_001193307.2); short protein forms W752*.
Identifiers: ClinVar variation 3367964 (VCV003367964.1).